The following is an entry in ClinVar:

ClinVar aggregate classification (germline): Uncertain significance. Review status: criteria provided, multiple submitters, no conflicts (2 of 4 stars). 3 submissions from 3 submitters: Uncertain significance (3). Last evaluated 2024-10-07.

Conditions:
Inborn genetic diseases. Identifiers: MedGen C0950123, MeSH D030342.
Autoimmune lymphoproliferative syndrome, type III caused by mutation in PRKCD. Identifiers: Orphanet 3261, Orphanet 664711, MedGen C3809928, MONDO:8000024, OMIM 615559.

Allele frequency attached by ClinVar (database versions not stated): TOPMed 0.00003; gnomAD 0.00004; gnomAD exomes 0.00005; ESP Exome Variant Server 0.00008; ExAC 0.00014.
gnomAD v4.1: 88 of 1,614,070 alleles (0.0055%); highest among the groups gnomAD compares: South Asian, 0.049%; 2 homozygotes.

Submissions (3):

Ambry Genetics
Classification: Uncertain significance for Inborn genetic diseases. Last evaluated: 2024-10-07. Review status: criteria provided, single submitter. Criteria: Ambry Variant Classification Scheme 2023. Collection method: clinical testing. Allele origin: germline.

Blueprint Genetics
Classification: Uncertain significance. Last evaluated: 2024-08-21. Review status: criteria provided, single submitter. Criteria: ACMG Guidelines, 2015. Collection method: clinical testing. Allele origin: germline.

Labcorp Genetics (formerly Invitae), Labcorp
Classification: Uncertain significance for Autoimmune lymphoproliferative syndrome, type III caused by mutation in PRKCD. Last evaluated: 2022-06-22. Review status: criteria provided, single submitter. Criteria: Invitae Variant Classification Sherloc (09022015). Collection method: clinical testing. Allele origin: germline.
Comment: This sequence change replaces arginine, which is basic and polar, with histidine, which is basic and polar, at codon 40 of the PRKCD protein (p.Arg40His). This variant is present in population databases (rs376358631, gnomAD 0.06%). This variant has not been reported in the literature in individuals affected with PRKCD-related conditions. Algorithms developed to predict the effect of missense changes on protein structure and function are either unavailable or do not agree on the potential impact of this missense change (SIFT: "Deleterious"; PolyPhen-2: "Probably Damaging"; Align-GVGD: "Class C0"). In summary, the available evidence is currently insufficient to determine the role of this variant in disease. Therefore, it has been classified as a Variant of Uncertain Significance.

NM_006254.4(PRKCD):c.119G>A (p.Arg40His)

Gene: PRKCD (protein kinase C delta; plus strand). Cytogenetic location: 3p21.1.
Variant type: single nucleotide variant.
Coding change: c.119G>A on transcript NM_006254.4 (MANE Select); coding-DNA position 119, G replaced by A.
Protein change: p.Arg40His; replaces arginine 40 with histidine.
Molecular consequence: missense variant.
Genome position (GRCh38, 1-based): chr3:53,179,580, G>A. VCF-style: chr3-53179580-G-A. GRCh37 (hg19) VCF-style: chr3-53213596-G-A.
Other names: c.119G>A (NM_006254.3); c.119G>A, p.Arg40His (NM_001316327.2, NM_001354679.2, NM_001354680.2 and 1 more transcripts); c.176G>A, p.Arg59His (NM_001354676.2); c.167G>A, p.Arg56His (NM_001354678.2); short protein forms R56H, R40H, R59H.
Identifiers: ClinVar variation 2055331 (VCV002055331.3), dbSNP rs376358631, ClinGen allele CA2451694.